The following is an entry in ClinVar:

NM_001999.4(FBN2):c.7961-10G>A

Gene: FBN2 (fibrillin 2; minus strand). Cytogenetic location: 5q23.3.
Variant type: single nucleotide variant.
Coding change: c.7961-10G>A on transcript NM_001999.4 (MANE Select); 10 bases into the intron before coding-DNA position 7961, G replaced by A.
Molecular consequence: intron variant.
Genome position (GRCh38, 1-based): chr5:128,263,666, C>T on the plus strand (G>A on the coding strand, the complement: FBN2 is on the minus strand). VCF-style: chr5-128263666-C-T. GRCh37 (hg19) VCF-style: chr5-127599358-C-T.
Identifiers: ClinVar variation 377872 (VCV000377872.11), dbSNP rs752746367, ClinGen allele CA3393960.
Genomic context (GRCh38, chr5:128,263,666, plus strand): 5'-TGTAGCAGGAAGCAGAGCCACAGGCATTGGGATTGGAGCATTCATTCTCATCTAGTGAAA[C>T]GAAGAAAGAAACTCTTACACGGGGAAGCAGGCAAGAGCAAAAACGTGAACAAGTCTGGAG-3'

ClinVar aggregate classification (germline): Benign/Likely benign. Review status: criteria provided, multiple submitters, no conflicts (2 of 4 stars). 3 submissions from 3 submitters: Benign (2); Likely benign (1). Last evaluated 2025-03-26.

Conditions:
Congenital contractural arachnodactyly (CCA). Also called: BEALS SYNDROME; Arthrogryposis, distal, type 9; Beals-Hecht syndrome. Identifiers: Orphanet 115, MedGen C0220668, MONDO:0007363, OMIM 121050.

Allele frequency attached by ClinVar (database versions not stated): gnomAD 0.00002; TOPMed 0.00002; gnomAD exomes 0.00003 and 0.00006; ExAC 0.00005.
gnomAD v4.1: 51 of 1,602,878 alleles (0.0032%); highest among the groups gnomAD compares: South Asian, 0.028%; 1 homozygote.

Submissions (3):

Labcorp Genetics (formerly Invitae), Labcorp
Classification: Likely benign for Congenital contractural arachnodactyly. Last evaluated: 2025-03-26. Review status: criteria provided, single submitter. Criteria: Invitae Variant Classification Sherloc (09022015). Collection method: clinical testing. Allele origin: germline.

Women's Health and Genetics/Laboratory Corporation of America, LabCorp
Classification: Benign. Last evaluated: 2023-08-24. Review status: criteria provided, single submitter. Criteria: LabCorp Variant Classification Summary - May 2015. Collection method: clinical testing. Allele origin: germline.

GeneDx
Classification: Benign. Last evaluated: 2015-09-25. Review status: criteria provided, single submitter. Criteria: GeneDx Variant Classification (06012015). Collection method: clinical testing. Allele origin: germline. Affected: yes.
Comment: This variant is considered likely benign or benign based on one or more of the following criteria: it is a conservative change, it occurs at a poorly conserved position in the protein, it is predicted to be benign by multiple in silico algorithms, and/or has population frequency not consistent with disease.